The following is an entry in ClinVar:

ClinVar aggregate classification (germline): Likely benign. Review status: criteria provided, multiple submitters, no conflicts (2 of 4 stars). 2 submissions from 2 submitters: Likely benign (2). Last evaluated 2023-01-01.

Conditions:
Inborn genetic diseases. Identifiers: MedGen C0950123, MeSH D030342.

Allele frequency attached by ClinVar (database versions not stated): ExAC 0.00003; gnomAD 0.00003; TOPMed 0.00003; gnomAD exomes 0.00005.
gnomAD v4.1: 73 of 1,613,746 alleles (0.0045%); highest among the groups gnomAD compares: South Asian, 0.012%; no homozygotes.

Submissions (2):

CeGaT Center for Human Genetics Tuebingen
Classification: Likely benign. Last evaluated: 2023-01-01. Review status: criteria provided, single submitter. Criteria: CeGaT Center For Human Genetics Tuebingen Variant Classification Criteria Version 2. Collection method: clinical testing. Allele origin: germline. Affected: yes. Observed: 1 variant allele.
Comment: TANC2: BS2

Ambry Genetics
Classification: Likely benign for Inborn genetic diseases. Last evaluated: 2021-08-13. Review status: criteria provided, single submitter. Criteria: Ambry Variant Classification Scheme 2023. Collection method: clinical testing. Allele origin: germline.

Literature cited by the submitters: PubMed 28518168 (cited by Ambry Genetics); PubMed 32461654 (cited by Ambry Genetics).

NM_001394998.1(TANC2):c.5426A>G (p.Tyr1809Cys)

Gene: TANC2 (tetratricopeptide repeat, ankyrin repeat and coiled-coil containing 2; plus strand). Cytogenetic location: 17q23.3.
Variant type: single nucleotide variant.
Coding change: c.5426A>G on transcript NM_001394998.1 (MANE Select); coding-DNA position 5426, A replaced by G.
Protein change: p.Tyr1809Cys; replaces tyrosine 1809 with cysteine.
Molecular consequence: missense variant.
Genome position (GRCh38, 1-based): chr17:63,421,156, A>G. VCF-style: chr17-63421156-A-G. GRCh37 (hg19) VCF-style: chr17-61498517-A-G.
Other names: c.5204A>G, p.Tyr1735Cys (NM_001411076.1); c.5174A>G, p.Tyr1725Cys (NM_025185.4); short protein forms Y1725C, Y1809C, Y1735C.
Identifiers: ClinVar variation 2333139 (VCV002333139.30), dbSNP rs752209041, ClinGen allele CA8698436.